The following is an entry in ClinVar:

NM_020971.3(SPTBN4):c.2190T>C (p.Gly730=)

Gene: SPTBN4 (spectrin beta, non-erythrocytic 4; plus strand). Cytogenetic location: 19q13.2.
Variant type: single nucleotide variant.
Coding change: c.2190T>C on transcript NM_020971.3 (MANE Select); coding-DNA position 2190, T replaced by C.
Protein change: p.Gly730=; no amino-acid change (glycine 730 retained).
Molecular consequence: synonymous variant.
Genome position (GRCh38, 1-based): chr19:40,512,979, T>C. VCF-style: chr19-40512979-T-C. GRCh37 (hg19) VCF-style: chr19-41018886-T-C.
Identifiers: ClinVar variation 734101 (VCV000734101.35), dbSNP rs563121072, ClinGen allele CA9445834.

ClinVar aggregate classification (germline): Benign/Likely benign. Review status: criteria provided, multiple submitters, no conflicts (2 of 4 stars). 5 submissions from 5 submitters: Benign (2); Likely benign (2). 1 of the submissions does not count toward it. Last evaluated 2025-02-01.

Conditions:
SPTBN4-related disorder. Also called: SPTBN4-related condition.

Allele frequency attached by ClinVar (database versions not stated): 1000 Genomes Project 0.00020; ExAC 0.00041; TOPMed 0.00084; 1000 Genomes Project 30x 0.00094; gnomAD exomes 0.00115 and 0.00168; gnomAD 0.00125 and 0.00128.
gnomAD v4.1: 2,276 of 1,412,764 alleles (0.16%); highest among the groups gnomAD compares: Non-Finnish European, 0.17%; 5 homozygotes.

Submissions (5):

CeGaT Center for Human Genetics Tuebingen
Classification: Likely benign. Last evaluated: 2025-02-01. Review status: criteria provided, single submitter. Criteria: CeGaT Center For Human Genetics Tuebingen Variant Classification Criteria Version 2. Collection method: clinical testing. Allele origin: germline. Affected: yes. Observed: 3 variant alleles.
Comment: SPTBN4: BP4, BP7

Blueprint Genetics
Classification: Likely benign. Last evaluated: 2024-11-22. Review status: criteria provided, single submitter. Criteria: ACMG Guidelines, 2015. Collection method: clinical testing. Allele origin: germline.

Labcorp Genetics (formerly Invitae), Labcorp
Classification: Benign. Last evaluated: 2017-12-08. Review status: criteria provided, single submitter. Criteria: Invitae Variant Classification Sherloc (09022015). Collection method: clinical testing. Allele origin: germline.

Breakthrough Genomics
Classification: Benign. Review status: criteria provided, single submitter. Criteria: ACMG Guidelines, 2015. Collection method: not provided. Allele origin: germline. Inheritance: Autosomal recessive inheritance. Affected: yes.

PreventionGenetics, part of Exact Sciences
Classification: Likely benign for SPTBN4-related condition. Last evaluated: 2019-05-07. Review status: no assertion criteria provided. Collection method: clinical testing. Allele origin: germline. Not counted in ClinVar's aggregate classification.
Comment: This variant is classified as likely benign based on ACMG/AMP sequence variant interpretation guidelines (Richards et al. 2015 PMID: 25741868, with internal and published modifications).